The following is an entry in ClinVar:

ClinVar aggregate classification (germline): Uncertain significance (1 of 4 stars; one submission).

Conditions:
Inborn genetic diseases. Identifiers: MedGen C0950123, MeSH D030342.

Allele frequency attached by ClinVar (database versions not stated): ExAC 0.00001; gnomAD 0.00002; TOPMed 0.00002.
gnomAD v4.1: 6 of 1,613,882 alleles (0.00037%); highest among the groups gnomAD compares: African/African-American, 0.004%; no homozygotes.

Submission:

Ambry Genetics
Classification: Uncertain significance for Inborn genetic diseases. Last evaluated: 2022-12-05. Review status: criteria provided, single submitter. Criteria: Ambry Variant Classification Scheme 2023. Collection method: clinical testing. Allele origin: germline.
Comment: The p.L1362I variant (also known as c.4084C>A), located in coding exon 29 of the LRRK2 gene, results from a C to A substitution at nucleotide position 4084. The leucine at codon 1362 is replaced by isoleucine, an amino acid with highly similar properties. This amino acid position is conserved. In addition, this alteration is predicted to be tolerated by in silico analysis. Since supporting evidence is limited at this time, the clinical significance of this alteration remains unclear.

NM_198578.4(LRRK2):c.4084C>A (p.Leu1362Ile)

Gene: LRRK2 (leucine rich repeat kinase 2; plus strand). Cytogenetic location: 12q12.
Variant type: single nucleotide variant.
Coding change: c.4084C>A on transcript NM_198578.4 (MANE Select); coding-DNA position 4084, C replaced by A.
Protein change: p.Leu1362Ile; replaces leucine 1362 with isoleucine.
Molecular consequence: missense variant.
Genome position (GRCh38, 1-based): chr12:40,308,591, C>A. VCF-style: chr12-40308591-C-A. GRCh37 (hg19) VCF-style: chr12-40702393-C-A.
Other names: short protein forms L1362I.
Identifiers: ClinVar variation 2489821 (VCV002489821.2), dbSNP rs763411342, ClinGen allele CA6514075.